The following is an entry in ClinVar:

ClinVar aggregate classification (germline): Likely pathogenic (1 of 4 stars; one submission).

Conditions:
Leukodystrophy, hypomyelinating, 27 (HLD27). Identifiers: MedGen C5882743, MONDO:0958018, OMIM 620675.

Submission:

First Genomix Gene Laboratory, Genetic Diagnostics Department
Classification: Likely pathogenic for Leukodystrophy, hypomyelinating, 27. Last evaluated: 2025-09-02. Review status: criteria provided, single submitter. Criteria: ACMG Guidelines, 2015. Collection method: clinical testing. Allele origin: germline. Inheritance: Autosomal recessive inheritance. Affected: no. Observed: 1 variant allele.

NM_015425.6(POLR1A):c.6del (p.Ile3fs)

Genes: POLR1A (RNA polymerase I subunit A; minus strand), LOC129934243 (ATAC-STARR-seq lymphoblastoid active region 16153; plus strand). Cytogenetic location: 2p11.2.
Variant type: Deletion.
Coding change: c.6del on transcript NM_015425.6 (MANE Select); coding-DNA position 6, one base deleted (G; older notation c.6delG).
Protein change: p.Ile3fs; shifts the reading frame from isoleucine 3.
Molecular consequence: frameshift variant.
Genome position (GRCh38, 1-based): chr2:86,105,771, C deleted on the plus strand (G on the coding strand, the reverse complement: POLR1A is on the minus strand). VCF-style (leftmost placement, unchanged base first): chr2-86105770-TC-T. GRCh37 (hg19) VCF-style: chr2-86332893-TC-T.
Other names: c.6delG (NM_015425.6); short protein forms I3fs.
Identifiers: ClinVar variation 4850242 (VCV004850242.1).